The following is an entry in ClinVar:

ClinVar aggregate classification (germline): Uncertain significance (1 of 4 stars; one submission).

Allele frequency attached by ClinVar (database versions not stated): gnomAD exomes below 0.00001; ExAC 0.00001.
gnomAD v4.1: 1 of 1,614,126 alleles (0.000062%); no homozygotes.

Submission:

Ambry Genetics
Classification: Uncertain significance. Last evaluated: 2021-06-15. Review status: criteria provided, single submitter. Criteria: Ambry Variant Classification Scheme 2023. Collection method: clinical testing. Allele origin: germline.
Comment: The p.N47D variant (also known as c.139A>G), located in coding exon 1 of the BUB3 gene, results from an A to G substitution at nucleotide position 139. The asparagine at codon 47 is replaced by aspartic acid, an amino acid with highly similar properties. This amino acid position is conserved. In addition, this alteration is predicted to be tolerated by in silico analysis. Since supporting evidence is limited at this time, the clinical significance of this alteration remains unclear.

NM_004725.4(BUB3):c.139A>G (p.Asn47Asp)

Gene: BUB3 (BUB3 mitotic checkpoint protein; plus strand). Cytogenetic location: 10q26.13.
Variant type: single nucleotide variant.
Coding change: c.139A>G on transcript NM_004725.4 (MANE Select); coding-DNA position 139, A replaced by G.
Protein change: p.Asn47Asp; replaces asparagine 47 with aspartic acid.
Molecular consequence: missense variant.
Genome position (GRCh38, 1-based): chr10:123,155,056, A>G. VCF-style: chr10-123155056-A-G. GRCh37 (hg19) VCF-style: chr10-124914572-A-G.
Other names: c.139A>G, p.Asn47Asp (NM_001007793.3); short protein forms N47D.
Identifiers: ClinVar variation 1771711 (VCV001771711.2), dbSNP rs765512833, ClinGen allele CA5731498.